The following is an entry in ClinVar:

NM_001077653.2(TBX20):c.1232C>G (p.Pro411Arg)

Gene: TBX20 (T-box transcription factor 20; minus strand). Cytogenetic location: 7p14.2.
Variant type: single nucleotide variant.
Coding change: c.1232C>G on transcript NM_001077653.2 (MANE Select); coding-DNA position 1232, C replaced by G.
Protein change: p.Pro411Arg; replaces proline 411 with arginine.
Molecular consequence: missense variant.
Genome position (GRCh38, 1-based): chr7:35,202,542, G>C on the plus strand (C>G on the coding strand, the complement: TBX20 is on the minus strand). VCF-style: chr7-35202542-G-C. GRCh37 (hg19) VCF-style: chr7-35242154-G-C.
Other names: short protein forms P411R.
Identifiers: ClinVar variation 1499347 (VCV001499347.9), dbSNP rs761099727, ClinGen allele CA4217331.

ClinVar aggregate classification (germline): Uncertain significance. Review status: criteria provided, multiple submitters, no conflicts (2 of 4 stars). 2 submissions from 2 submitters: Uncertain significance (2). Last evaluated 2025-11-24.

Conditions:
Cardiovascular phenotype. Identifiers: MedGen CN230736.

Allele frequency attached by ClinVar (database versions not stated): gnomAD exomes below 0.00001 and 0.00001; ExAC 0.00001.
gnomAD v4.1: 5 of 1,613,784 alleles (0.00031%); highest among the groups gnomAD compares: Non-Finnish European, 0.00042%; no homozygotes.

Submissions (2):

Ambry Genetics
Classification: Uncertain significance for Cardiovascular phenotype. Last evaluated: 2025-11-24. Review status: criteria provided, single submitter. Criteria: Ambry Variant Classification Scheme 2023. Collection method: clinical testing. Allele origin: germline.
Comment: The p.P411R variant (also known as c.1232C>G), located in coding exon 8 of the TBX20 gene, results from a C to G substitution at nucleotide position 1232. The proline at codon 411 is replaced by arginine, an amino acid with dissimilar properties. This amino acid position is conserved. In addition, this alteration is predicted to be deleterious by in silico analysis. Based on the available evidence, the clinical significance of this variant remains unclear.

Labcorp Genetics (formerly Invitae), Labcorp
Classification: Uncertain significance. Last evaluated: 2021-06-16. Review status: criteria provided, single submitter. Criteria: Invitae Variant Classification Sherloc (09022015). Collection method: clinical testing. Allele origin: germline.
Comment: This sequence change replaces proline with arginine at codon 411 of the TBX20 protein (p.Pro411Arg). The proline residue is highly conserved and there is a moderate physicochemical difference between proline and arginine. This variant is present in population databases (rs761099727, ExAC 0.009%). This variant has not been reported in the literature in individuals with TBX20-related conditions. Algorithms developed to predict the effect of missense changes on protein structure and function are either unavailable or do not agree on the potential impact of this missense change (SIFT: "Deleterious"; PolyPhen-2: "Possibly Damaging"; Align-GVGD: "Class C0"). In summary, the available evidence is currently insufficient to determine the role of this variant in disease. Therefore, it has been classified as a Variant of Uncertain Significance.